The following is an entry in ClinVar:

NM_001369268.1(ACAN):c.7430C>A (p.Thr2477Lys)

Gene: ACAN (aggrecan; plus strand). Cytogenetic location: 15q26.1.
Variant type: single nucleotide variant.
Coding change: c.7430C>A on transcript NM_001369268.1 (MANE Select); coding-DNA position 7430, C replaced by A.
Protein change: p.Thr2477Lys; replaces threonine 2477 with lysine.
Molecular consequence: missense variant.
Genome position (GRCh38, 1-based): chr15:88,873,008, C>A. VCF-style: chr15-88873008-C-A. GRCh37 (hg19) VCF-style: chr15-89416239-C-A.
Other names: c.7202C>A, p.Thr2401Lys (NM_001135.4); c.7316C>A, p.Thr2439Lys (NM_013227.4); short protein forms T2401K, T2439K, T2477K.
Identifiers: ClinVar variation 1339134 (VCV001339134.2), dbSNP rs759677135, ClinGen allele CA393730601.

ClinVar aggregate classification (germline): Uncertain significance (1 of 4 stars; one submission).

Conditions:
Short stature and advanced bone age, with or without early-onset osteoarthritis and/or osteochondritis dissecans (SSOAOD). Identifiers: Orphanet 251262, MedGen C3665488, MONDO:0100462, OMIM 165800.

Submission:

Neuberg Centre For Genomic Medicine, NCGM
Classification: Uncertain significance for Short stature and advanced bone age, with or without early-onset osteoarthritis and/or osteochondritis dissecans. Review status: criteria provided, single submitter. Criteria: ACMG Guidelines, 2015. Collection method: clinical testing. Allele origin: germline. Affected: yes.
Comment: The missense variant p.T2439K in ACAN (NM_013227.4) has not been reported previously as a pathogenic variant nor as a benign variant, to our knowledge. The p.T2439K variant is novel (not in any individuals) in gnomAD Exomes and is novel (not in any individuals) in 1000 Genomes. The p.T2439K missense variant is predicted to be damaging by both SIFT and PolyPhen2. The threonine residue at codon 2439 of ACAN is conserved in all mammalian species. The nucleotide c.7316 in ACAN is predicted conserved by GERP++ and PhyloP across 100 vertebrates. For these reasons, this variant has been classified as Uncertain Significance.